The following is an entry in ClinVar:

ClinVar aggregate classification (germline): Pathogenic (1 of 4 stars; one submission).

Submission:

ISCA Site 6
Classification: Pathogenic. Last evaluated: 2011-08-12. Review status: criteria provided, single submitter. Criteria: Kaminsky et al. (Genet Med. 2011). Collection method: clinical testing. Allele origin: de novo. Affected: yes. Observed: 1 variant allele.
Comment: Copy number variation identified through the course of routine clinical cytogenomic testing in postnatal populations. Clinical assertions have been curated as described in Kaminsky et al. 2011.

GRCh38/hg38 17q12(chr17:36422657-37890225)x1

Genes: AATF (apoptosis antagonizing transcription factor; plus strand), ACACA (acetyl-CoA carboxylase alpha; minus strand), C17orf78 (chromosome 17 open reading frame 78; plus strand), DDX52 (DExD-box helicase 52; minus strand), DHRS11 (dehydrogenase/reductase 11; plus strand) and 31 more. Cytogenetic location: 17q12.
Variant type: copy number loss.
Change: copy number 1 (one copy instead of two) of chr17:36,422,657-37,890,225 (1.47 Mb, GRCh38 coordinates, 1-based), cytogenetic band 17q12.
Identifiers: ClinVar variation 60471 (VCV000060471.3).